The following is an entry in ClinVar:

ClinVar aggregate classification (germline): Likely benign (1 of 4 stars; one submission).

Allele frequency attached by ClinVar (database versions not stated): TOPMed below 0.00001; gnomAD 0.00001.

Submission:

CeGaT Center for Human Genetics Tuebingen
Classification: Likely benign. Last evaluated: 2023-10-01. Review status: criteria provided, single submitter. Criteria: CeGaT Center For Human Genetics Tuebingen Variant Classification Criteria Version 2. Collection method: clinical testing. Allele origin: germline. Affected: yes. Observed: 1 variant allele.
Comment: KIF5A: BP4, BP7

NM_004984.4(KIF5A):c.1209A>C (p.Ser403=)

Gene: KIF5A (kinesin family member 5A; plus strand). Cytogenetic location: 12q13.3.
Variant type: single nucleotide variant.
Coding change: c.1209A>C on transcript NM_004984.4 (MANE Select); coding-DNA position 1209, A replaced by C.
Protein change: p.Ser403=; no amino-acid change (serine 403 retained).
Molecular consequence: synonymous variant.
Genome position (GRCh38, 1-based): chr12:57,570,078, A>C. VCF-style: chr12-57570078-A-C. GRCh37 (hg19) VCF-style: chr12-57963861-A-C.
Other names: c.942A>C, p.Ser314= (NM_001354705.2).
Identifiers: ClinVar variation 2643138 (VCV002643138.24), dbSNP rs1340103461, ClinGen allele CA480264477.